The following is an entry in ClinVar:

NM_012144.4(DNAI1):c.994C>A (p.Arg332Ser)

Gene: DNAI1 (dynein axonemal intermediate chain 1; plus strand). Cytogenetic location: 9p13.3.
Variant type: single nucleotide variant.
Coding change: c.994C>A on transcript NM_012144.4 (MANE Select); coding-DNA position 994, C replaced by A.
Protein change: p.Arg332Ser; replaces arginine 332 with serine.
Molecular consequence: missense variant.
Genome position (GRCh38, 1-based): chr9:34,500,814, C>A. VCF-style: chr9-34500814-C-A. GRCh37 (hg19) VCF-style: chr9-34500812-C-A.
Other names: c.994C>A (NM_012144.2); c.1006C>A, p.Arg336Ser (NM_001281428.2); short protein forms R332S, R336S.
Identifiers: ClinVar variation 966354 (VCV000966354.12), dbSNP rs182015909, ClinGen allele CA5034241.

ClinVar aggregate classification (germline): Conflicting classifications of pathogenicity. Review status: criteria provided, conflicting classifications (1 of 4 stars). 4 submissions from 4 submitters: Uncertain significance (2); Benign (1). 1 of the submissions does not count toward it. Last evaluated 2026-01-24.

Conditions:
Primary ciliary dyskinesia. Also called: Ciliary dyskinesia. Identifiers: Orphanet 244, MedGen C0008780, MONDO:0016575, HP:0012265.
Kartagener syndrome (CILD1). Also called: CILIARY DYSKINESIA, PRIMARY, 1; CILIARY DYSKINESIA, PRIMARY, 1, WITH OR WITHOUT SITUS INVERSUS; IMMOTILE CILIA SYNDROME; Dextrocardia bronchiectasis and sinusitis; SIEWERT SYNDROME; POLYNESIAN BRONCHIECTASIS. Identifiers: Orphanet 244, MedGen C4551906, MONDO:0009484, OMIM 244400.

Allele frequency attached by ClinVar (database versions not stated): gnomAD 0.00003; TOPMed 0.00007; 1000 Genomes Project 30x 0.00031.

Submissions (4):

Labcorp Genetics (formerly Invitae), Labcorp
Classification: Benign for Primary ciliary dyskinesia. Last evaluated: 2026-01-24. Review status: criteria provided, single submitter. Criteria: Invitae Variant Classification Sherloc (09022015). Collection method: clinical testing. Allele origin: germline.

Fulgent Genetics
Classification: Uncertain significance for Kartagener syndrome. Last evaluated: 2021-09-08. Review status: criteria provided, single submitter. Criteria: ACMG Guidelines, 2015. Collection method: clinical testing. Allele origin: unknown.

Ambry Genetics
Classification: Uncertain significance for Primary ciliary dyskinesia. Last evaluated: 2018-08-10. Review status: criteria provided, single submitter. Criteria: Ambry Variant Classification Scheme 2023. Collection method: clinical testing. Allele origin: germline.
Comment: The p.R332S variant (also known as c.994C>A), located in coding exon 11 of the DNAI1 gene, results from a C to A substitution at nucleotide position 994. The arginine at codon 332 is replaced by serine, an amino acid with dissimilar properties. This amino acid position is not well conserved in available vertebrate species. In addition, this alteration is predicted to be tolerated by in silico analysis. Since supporting evidence is limited at this time, the clinical significance of this alteration remains unclear.

Natera, Inc.
Classification: Uncertain significance for Primary ciliary dyskinesia. Last evaluated: 2020-04-13. Review status: no assertion criteria provided. Collection method: clinical testing. Allele origin: germline. Not counted in ClinVar's aggregate classification.